The following is an entry in ClinVar:

ClinVar aggregate classification (germline): Uncertain significance (1 of 4 stars; one submission).

Conditions:
Hereditary cancer-predisposing syndrome. Also called: Neoplastic Syndromes, Hereditary; Tumor predisposition; Hereditary neoplastic syndrome; Hereditary Cancer Syndrome. Identifiers: Orphanet 140162, MedGen C0027672, MeSH D009386, MONDO:0015356.

Submission:

Ambry Genetics
Classification: Uncertain significance for Hereditary cancer-predisposing syndrome. Last evaluated: 2026-07-06. Review status: criteria provided, single submitter. Criteria: Ambry Variant Classification Scheme 2023. Collection method: clinical testing. Allele origin: germline.
Comment: The p.L70F variant (also known as c.208C>T), located in coding exon 4 of the MAX gene, results from a C to T substitution at nucleotide position 208. The leucine at codon 70 is replaced by phenylalanine, an amino acid with highly similar properties. This amino acid position is conserved. In addition, this alteration is predicted to be tolerated by in silico analysis. Based on the available evidence, the clinical significance of this variant remains unclear.

NM_002382.5(MAX):c.172-6227C>T

Gene: MAX (MYC associated transcriptional regulator X; minus strand). Cytogenetic location: 14q23.3.
Variant type: single nucleotide variant.
Coding change: c.172-6227C>T on transcript NM_002382.5 (MANE Select); 6227 bases into the intron before coding-DNA position 172, C replaced by T.
Molecular consequence: intron variant. On other transcripts: missense variant (3), synonymous variant (1), non-coding transcript variant (4).
Genome position (GRCh38, 1-based): chr14:65,084,263, G>A on the plus strand (C>T on the coding strand, the complement: MAX is on the minus strand). VCF-style: chr14-65084263-G-A. GRCh37 (hg19) VCF-style: chr14-65550981-G-A.
Other names: c.181C>T, p.Leu61Phe (NM_001271068.2, NM_001407113.1); c.231C>T, p.Ser77= (NM_001407114.1); c.208C>T, p.Leu70Phe (NM_145114.3); c.144+9445C>T (NM_001271069.2); c.171+9445C>T (NM_197957.4); c.-196-6227C>T (NM_001407112.1, NM_001407111.1); c.-103-6227C>T (NM_001407106.1, NM_001407107.1, NM_001320415.2 and 1 more transcripts); c.145-6227C>T (NM_001407095.1, NM_001407110.1, NM_001407102.1 and 6 more transcripts); and 2 more; short protein forms L70F, L61F.
Identifiers: ClinVar variation 5023967 (VCV005023967.1).